The following is an entry in ClinVar:

ClinVar aggregate classification (germline): Uncertain significance (1 of 4 stars; one submission).

Conditions:
Achondrogenesis, type IA (ACG1A). Identifiers: Orphanet 932, Orphanet 93299, MedGen C0265273, MONDO:0008701, OMIM 200600.

Submission:

Labcorp Genetics (formerly Invitae), Labcorp
Classification: Uncertain significance for Achondrogenesis, type IA. Last evaluated: 2023-05-13. Review status: criteria provided, single submitter. Criteria: Invitae Variant Classification Sherloc (09022015). Collection method: clinical testing. Allele origin: germline.
Comment: In summary, the available evidence is currently insufficient to determine the role of this variant in disease. Therefore, it has been classified as a Variant of Uncertain Significance. Advanced modeling of protein sequence and biophysical properties (such as structural, functional, and spatial information, amino acid conservation, physicochemical variation, residue mobility, and thermodynamic stability) performed at Invitae indicates that this missense variant is not expected to disrupt TRIP11 protein function. This variant has not been reported in the literature in individuals affected with TRIP11-related conditions. This variant is not present in population databases (gnomAD no frequency). This sequence change replaces asparagine, which is neutral and polar, with aspartic acid, which is acidic and polar, at codon 665 of the TRIP11 protein (p.Asn665Asp).

NM_004239.4(TRIP11):c.1993A>G (p.Asn665Asp)

Gene: TRIP11 (thyroid hormone receptor interactor 11; minus strand). Cytogenetic location: 14q32.12.
Variant type: single nucleotide variant.
Coding change: c.1993A>G on transcript NM_004239.4 (MANE Select); coding-DNA position 1993, A replaced by G.
Protein change: p.Asn665Asp; replaces asparagine 665 with aspartic acid.
Molecular consequence: missense variant.
Genome position (GRCh38, 1-based): chr14:92,005,983, T>C on the plus strand (A>G on the coding strand, the complement: TRIP11 is on the minus strand). VCF-style: chr14-92005983-T-C. GRCh37 (hg19) VCF-style: chr14-92472327-T-C.
Other names: c.1990A>G, p.Asn664Asp (NM_001321851.1); short protein forms N664D, N665D.
Identifiers: ClinVar variation 2864137 (VCV002864137.3), dbSNP rs2543035411, ClinGen allele CA390659030.